The following is an entry in ClinVar:

NM_021937.5(EEFSEC):c.1389C>G (p.Phe463Leu)

Gene: EEFSEC (eukaryotic elongation factor, selenocysteine-tRNA specific; plus strand). Cytogenetic location: 3q21.3.
Variant type: single nucleotide variant.
Coding change: c.1389C>G on transcript NM_021937.5 (MANE Select); coding-DNA position 1389, C replaced by G.
Protein change: p.Phe463Leu; replaces phenylalanine 463 with leucine.
Molecular consequence: missense variant.
Genome position (GRCh38, 1-based): chr3:128,341,835, C>G. VCF-style: chr3-128341835-C-G. GRCh37 (hg19) VCF-style: chr3-128060678-C-G.
Other names: short protein forms F463L.
Identifiers: ClinVar variation 3087333 (VCV003087333.2), dbSNP rs112227741, ClinGen allele CA2599362.

ClinVar aggregate classification (germline): Uncertain significance. Review status: criteria provided, multiple submitters, no conflicts (2 of 4 stars). 2 submissions from 2 submitters: Uncertain significance (2). Last evaluated 2026-06-17.

Allele frequency attached by ClinVar (database versions not stated): gnomAD exomes 0.00003; ExAC 0.00006; 1000 Genomes Project 0.00020; gnomAD 0.00021; 1000 Genomes Project 30x 0.00031; TOPMed 0.00031; ESP Exome Variant Server 0.00038.
gnomAD v4.1: 92 of 1,614,000 alleles (0.0057%); highest among the groups gnomAD compares: African/African-American, 0.085%; no homozygotes.

Submissions (2):

Greenwood Genetic Center Diagnostic Laboratories, Greenwood Genetic Center
Classification: Uncertain significance. Last evaluated: 2026-06-17. Review status: criteria provided, single submitter. Criteria: ACMG Guidelines, 2015. Collection method: clinical testing. Allele origin: germline.
Comment: PM2, BP4

Ambry Genetics
Classification: Uncertain significance. Last evaluated: 2023-10-24. Review status: criteria provided, single submitter. Criteria: Ambry Variant Classification Scheme 2023. Collection method: clinical testing. Allele origin: germline.